The following is an entry in ClinVar:

NM_024715.4(TXNDC15):c.489C>G (p.Asp163Glu)

Gene: TXNDC15 (thioredoxin domain containing 15; plus strand). Cytogenetic location: 5q31.1.
Variant type: single nucleotide variant.
Coding change: c.489C>G on transcript NM_024715.4 (MANE Select); coding-DNA position 489, C replaced by G.
Protein change: p.Asp163Glu; replaces aspartic acid 163 with glutamic acid.
Molecular consequence: missense variant.
Genome position (GRCh38, 1-based): chr5:134,888,080, C>G. VCF-style: chr5-134888080-C-G. GRCh37 (hg19) VCF-style: chr5-134223770-C-G.
Other names: c.285C>G, p.Asp95Glu (NM_001350735.2); short protein forms D95E, D163E.
Identifiers: ClinVar variation 2007784 (VCV002007784.4), dbSNP rs2479473772, ClinGen allele CA361457660.
Genomic context (GRCh38, chr5:134,888,080, plus strand): 5'-AGAAGAGGAGTATTACACAGAGCCAGAAGTGGCGGAATCTGACGCAGCCCCGACAGAGGA[C>G]TCCAATAACACTGAAAGTCTGAAATCCCCAAAGGTGAACTGTGAGGAGAGAAACATTACA-3'
Protein context (NP_078991.3, residues 153-173): VAESDAAPTE[Asp163Glu]SNNTESLKSP

ClinVar aggregate classification (germline): Uncertain significance (1 of 4 stars; one submission).

Allele frequency attached by ClinVar (database versions not stated): gnomAD exomes below 0.00001.
gnomAD v4.1: 1 of 1,614,156 alleles (0.000062%); highest among the groups gnomAD compares: Non-Finnish European, 0.000085%; no homozygotes.

Submission:

Labcorp Genetics (formerly Invitae), Labcorp
Classification: Uncertain significance. Last evaluated: 2022-06-26. Review status: criteria provided, single submitter. Criteria: Invitae Variant Classification Sherloc (09022015). Collection method: clinical testing. Allele origin: germline.
Comment: In summary, the available evidence is currently insufficient to determine the role of this variant in disease. Therefore, it has been classified as a Variant of Uncertain Significance. Algorithms developed to predict the effect of missense changes on protein structure and function output the following: SIFT: "Tolerated"; PolyPhen-2: "Benign"; Align-GVGD: "Class C0". The glutamic acid amino acid residue is found in multiple mammalian species, which suggests that this missense change does not adversely affect protein function. This variant has not been reported in the literature in individuals affected with TXNDC15-related conditions. This variant is not present in population databases (gnomAD no frequency). This sequence change replaces aspartic acid, which is acidic and polar, with glutamic acid, which is acidic and polar, at codon 163 of the TXNDC15 protein (p.Asp163Glu).